The following is an entry in ClinVar:

NM_006206.6(PDGFRA):c.2957A>G (p.Asn986Ser)

Gene: PDGFRA (platelet derived growth factor receptor alpha; plus strand). Cytogenetic location: 4q12.
Variant type: single nucleotide variant.
Coding change: c.2957A>G on transcript NM_006206.6 (MANE Select); coding-DNA position 2957, A replaced by G.
Protein change: p.Asn986Ser; replaces asparagine 986 with serine.
Molecular consequence: missense variant.
Genome position (GRCh38, 1-based): chr4:54,290,389, A>G. VCF-style: chr4-54290389-A-G. GRCh37 (hg19) VCF-style: chr4-55156556-A-G.
Other names: c.3032A>G, p.Asn1011Ser (NM_001347828.2); c.2957A>G, p.Asn986Ser (NM_001347829.2); c.2996A>G, p.Asn999Ser (NM_001347830.2); short protein forms N986S, N1011S, N999S.
Identifiers: ClinVar variation 407433 (VCV000407433.16), dbSNP rs372859148, ClinGen allele CA2922999.
Genomic context (GRCh38, chr4:54,290,389, plus strand): 5'-ACCTGGACTTCCTGAAGAGTGACCATCCTGCTGTGGCACGCATGCGTGTGGACTCAGACA[A>G]TGCATACATTGGTGTCACCTACAAAAACGAGGAAGACAAGCTGAAGGACTGGGAGGGTGG-3'
Protein context (NP_006197.1, residues 976-996): AVARMRVDSD[Asn986Ser]AYIGVTYKNE

ClinVar aggregate classification (germline): Uncertain significance. Review status: criteria provided, multiple submitters, no conflicts (2 of 4 stars). 3 submissions from 3 submitters: Uncertain significance (3). Last evaluated 2026-01-19.

Conditions:
Hereditary cancer-predisposing syndrome. Also called: Hereditary neoplastic syndrome; Neoplastic Syndromes, Hereditary; Hereditary Cancer Syndrome; Tumor predisposition. Identifiers: Orphanet 140162, MedGen C0027672, MeSH D009386, MONDO:0015356.
Gastrointestinal stromal tumor. Also called: Gastrointestinal stromal tumor, somatic; Gastrointestinal stroma tumor. Identifiers: Orphanet 44890, MedGen C0238198, MeSH D046152, MONDO:0011719, OMIM 606764, HP:0100723.

Allele frequency attached by ClinVar (database versions not stated): ExAC 0.00001; gnomAD exomes 0.00001; gnomAD 0.00006; TOPMed 0.00006; ESP Exome Variant Server 0.00015.
gnomAD v4.1: 14 of 1,613,600 alleles (0.00087%); highest among the groups gnomAD compares: African/African-American, 0.017%; no homozygotes.

Submissions (3):

Labcorp Genetics (formerly Invitae), Labcorp
Classification: Uncertain significance for Gastrointestinal stromal tumor. Last evaluated: 2026-01-19. Review status: criteria provided, single submitter. Criteria: Invitae Variant Classification Sherloc (09022015). Collection method: clinical testing. Allele origin: germline.
Comment: This sequence change replaces asparagine, which is neutral and polar, with serine, which is neutral and polar, at codon 986 of the PDGFRA protein (p.Asn986Ser). This variant is present in population databases (rs372859148, gnomAD 0.01%). This variant has not been reported in the literature in individuals affected with PDGFRA-related conditions. ClinVar contains an entry for this variant (Variation ID: 407433). An algorithm developed to predict the effect of missense changes on protein structure and function (PolyPhen-2) suggests that this variant is likely to be tolerated. In summary, the available evidence is currently insufficient to determine the role of this variant in disease. Therefore, it has been classified as a Variant of Uncertain Significance.

Ambry Genetics
Classification: Uncertain significance for Hereditary cancer-predisposing syndrome. Last evaluated: 2025-10-16. Review status: criteria provided, single submitter. Criteria: Ambry Variant Classification Scheme 2023. Collection method: clinical testing. Allele origin: germline.
Comment: The p.N986S variant (also known as c.2957A>G), located in coding exon 21 of the PDGFRA gene, results from an A to G substitution at nucleotide position 2957. The asparagine at codon 986 is replaced by serine, an amino acid with highly similar properties. This amino acid position is not well conserved in available vertebrate species. In addition, this alteration is predicted to be tolerated by in silico analysis. Since supporting evidence is limited at this time, the clinical significance of this alteration remains unclear.

GeneDx
Classification: Uncertain significance. Last evaluated: 2024-11-07. Review status: criteria provided, single submitter. Criteria: GeneDx Variant Classification Process June 2021. Collection method: clinical testing. Allele origin: germline.
Comment: Not observed at significant frequency in large population cohorts (gnomAD); In silico analysis indicates that this missense variant does not alter protein structure/function; Has not been previously published as pathogenic or benign to our knowledge; This variant is associated with the following publications: (PMID: 31133068)